The following is an entry in ClinVar:

NM_006164.5(NFE2L2):c.1048A>T (p.Thr350Ser)

Gene: NFE2L2 (NFE2 like bZIP transcription factor 2; minus strand). Cytogenetic location: 2q31.2.
Variant type: single nucleotide variant.
Coding change: c.1048A>T on transcript NM_006164.5 (MANE Select); coding-DNA position 1048, A replaced by T.
Protein change: p.Thr350Ser; replaces threonine 350 with serine.
Molecular consequence: missense variant.
Genome position (GRCh38, 1-based): chr2:177,231,555, T>A on the plus strand (A>T on the coding strand, the complement: NFE2L2 is on the minus strand). VCF-style: chr2-177231555-T-A. GRCh37 (hg19) VCF-style: chr2-178096283-T-A.
Other names: c.1000A>T, p.Thr334Ser (NM_001145412.3, NM_001313900.1, NM_001313901.1); c.979A>T, p.Thr327Ser (NM_001145413.3); c.958A>T, p.Thr320Ser (NM_001313902.2); c.829A>T, p.Thr277Ser (NM_001313903.2); c.748A>T, p.Thr250Ser (NM_001313904.1); short protein forms T277S, T327S, T334S, T350S, T250S, T320S.
Identifiers: ClinVar variation 1933817 (VCV001933817.5), dbSNP rs779519592, ClinGen allele CA349372392.

ClinVar aggregate classification (germline): Uncertain significance (1 of 4 stars; one submission).

gnomAD v4.1: 3 of 1,614,194 alleles (0.00019%); highest among the groups gnomAD compares: Non-Finnish European, 0.00025%; no homozygotes.

Submission:

Labcorp Genetics (formerly Invitae), Labcorp
Classification: Uncertain significance. Last evaluated: 2022-07-22. Review status: criteria provided, single submitter. Criteria: Invitae Variant Classification Sherloc (09022015). Collection method: clinical testing. Allele origin: germline.
Comment: In summary, the available evidence is currently insufficient to determine the role of this variant in disease. Therefore, it has been classified as a Variant of Uncertain Significance. Algorithms developed to predict the effect of missense changes on protein structure and function (SIFT, PolyPhen-2, Align-GVGD) all suggest that this variant is likely to be tolerated. This variant has not been reported in the literature in individuals affected with NFE2L2-related conditions. This variant is not present in population databases (gnomAD no frequency). This sequence change replaces threonine, which is neutral and polar, with serine, which is neutral and polar, at codon 350 of the NFE2L2 protein (p.Thr350Ser).